The following is an entry in ClinVar:

NM_006904.7(PRKDC):c.164C>T (p.Thr55Ile)

Gene: PRKDC (protein kinase, DNA-activated, catalytic subunit; minus strand). Cytogenetic location: 8q11.21.
Variant type: single nucleotide variant.
Coding change: c.164C>T on transcript NM_006904.7 (MANE Select); coding-DNA position 164, C replaced by T.
Protein change: p.Thr55Ile; replaces threonine 55 with isoleucine.
Molecular consequence: missense variant.
Genome position (GRCh38, 1-based): chr8:47,957,422, G>A on the plus strand (C>T on the coding strand, the complement: PRKDC is on the minus strand). VCF-style: chr8-47957422-G-A. GRCh37 (hg19) VCF-style: chr8-48869982-G-A.
Other names: c.164C>T, p.Thr55Ile (NM_001081640.2); short protein forms T55I.
Identifiers: ClinVar variation 1359023 (VCV001359023.8), dbSNP rs1444432005, ClinGen allele CA371141764.

ClinVar aggregate classification (germline): Uncertain significance. Review status: criteria provided, multiple submitters, no conflicts (2 of 4 stars). 2 submissions from 2 submitters: Uncertain significance (2). Last evaluated 2022-05-28.

Conditions:
Severe combined immunodeficiency due to DNA-PKcs deficiency. Also called: IMMUNODEFICIENCY 26 WITH NEUROLOGIC ABNORMALITIES; Immunodeficiency 26 with or without neurologic abnormalities. Identifiers: Orphanet 317425, MedGen C4014833, MONDO:0014423, OMIM 615966.

Allele frequency attached by ClinVar (database versions not stated): gnomAD exomes 0.00001.

Submissions (2):

Ambry Genetics
Classification: Uncertain significance. Last evaluated: 2022-05-28. Review status: criteria provided, single submitter. Criteria: Ambry Variant Classification Scheme 2023. Collection method: clinical testing. Allele origin: germline.
Comment: The p.T55I variant (also known as c.164C>T), located in coding exon 2 of the PRKDC gene, results from a C to T substitution at nucleotide position 164. The threonine at codon 55 is replaced by isoleucine, an amino acid with similar properties. This amino acid position is conserved. In addition, this alteration is predicted to be tolerated by in silico analysis. Since supporting evidence is limited at this time, the clinical significance of this alteration remains unclear.

Labcorp Genetics (formerly Invitae), Labcorp
Classification: Uncertain significance for Severe combined immunodeficiency due to DNA-PKcs deficiency. Last evaluated: 2020-12-23. Review status: criteria provided, single submitter. Criteria: Invitae Variant Classification Sherloc (09022015). Collection method: clinical testing. Allele origin: germline.
Comment: This sequence change replaces threonine with isoleucine at codon 55 of the PRKDC protein (p.Thr55Ile). The threonine residue is weakly conserved and there is a moderate physicochemical difference between threonine and isoleucine. In summary, the available evidence is currently insufficient to determine the role of this variant in disease. Therefore, it has been classified as a Variant of Uncertain Significance. Experimental studies and prediction algorithms are not available or were not evaluated, and the functional significance of this variant is currently unknown. This variant has not been reported in the literature in individuals with PRKDC-related conditions. This variant is not present in population databases (ExAC no frequency).